The following is an entry in ClinVar:

NM_000179.3(MSH6):c.2394C>A (p.Leu798=)

Gene: MSH6 (mutS homolog 6; plus strand). Cytogenetic location: 2p16.3.
Variant type: single nucleotide variant.
Coding change: c.2394C>A on transcript NM_000179.3 (MANE Select); coding-DNA position 2394, C replaced by A.
Protein change: p.Leu798=; no amino-acid change (leucine 798 retained).
Molecular consequence: synonymous variant.
Genome position (GRCh38, 1-based): chr2:47,800,377, C>A. VCF-style: chr2-47800377-C-A. GRCh37 (hg19) VCF-style: chr2-48027516-C-A.
Other names: c.2004C>A, p.Leu668= (NM_001281492.2); c.1488C>A, p.Leu496= (NM_001281493.2, NM_001281494.2).
Identifiers: ClinVar variation 491895 (VCV000491895.10), dbSNP rs1553413752, ClinGen allele CA426121757.
Genomic context (GRCh38, chr2:47,800,377, plus strand): 5'-TTGTGCCCCACTCTGTAACCATTATGCTATTAATGATCGTCTAGATGCCATAGAAGACCT[C>A]ATGGTTGTGCCTGACAAAATCTCCGAAGTTGTAGAGCTTCTAAAGAAGCTTCCAGATCTT-3'
Protein context (NP_000170.1, residues 788-808): INDRLDAIED[Leu798=]MVVPDKISEV

ClinVar aggregate classification (germline): Benign/Likely benign. Review status: criteria provided, multiple submitters, no conflicts (2 of 4 stars). 4 submissions from 4 submitters: Benign (1); Likely benign (3). Last evaluated 2024-12-31.

Conditions:
Lynch syndrome. Identifiers: Orphanet 144, MedGen C4552100, MONDO:0005835. Disease mechanism: loss of function.
Lynch syndrome 5 (LYNCH5). Also called: Colorectal cancer, hereditary nonpolyposis, type 5; Hereditary non-polyposis colorectal cancer, type 5. Identifiers: Orphanet 144, MedGen C1833477, MONDO:0013710, OMIM 614350. Disease mechanism: loss of function.
Hereditary nonpolyposis colorectal neoplasms. Identifiers: MedGen C0009405, MeSH D003123.
Hereditary cancer-predisposing syndrome. Also called: Hereditary neoplastic syndrome; Tumor predisposition; Hereditary Cancer Syndrome; Neoplastic Syndromes, Hereditary. Identifiers: Orphanet 140162, MedGen C0027672, MeSH D009386, MONDO:0015356.

Submissions (4):

Myriad Genetics, Inc.
Classification: Benign for Lynch syndrome 5. Last evaluated: 2024-12-31. Review status: criteria provided, single submitter. Criteria: Myriad Autosomal Dominant, Autosomal Recessive and X-Linked Classification Criteria (2023). Collection method: clinical testing. Allele origin: unknown.
Comment: This variant is considered benign. This variant is a silent/synonymous amino acid change and it is not expected to impact splicing.

All of Us Research Program, National Institutes of Health
Classification: Likely benign for Lynch syndrome. Last evaluated: 2023-12-01. Review status: criteria provided, single submitter. Criteria: ACMG Guidelines, 2015. Collection method: clinical testing. Allele origin: germline. Inheritance: Autosomal dominant inheritance. Observed: 1 variant allele, 1 heterozygote.
Comment: This study involves interpretation of variants in research participants for the purpose of population health screening. Participant phenotype was not available at the time of variant classification. Additional details can be found in publication PMID: 35346344, PMCID: PMC8962531

Labcorp Genetics (formerly Invitae), Labcorp
Classification: Likely benign for Hereditary nonpolyposis colorectal neoplasms. Last evaluated: 2022-04-21. Review status: criteria provided, single submitter. Criteria: Invitae Variant Classification Sherloc (09022015). Collection method: clinical testing. Allele origin: germline.

Color Diagnostics, LLC DBA Color Health
Classification: Likely benign for Hereditary cancer-predisposing syndrome. Last evaluated: 2017-07-21. Review status: criteria provided, single submitter. Criteria: ACMG Guidelines, 2015. Collection method: clinical testing. Allele origin: germline.